The following is an entry in ClinVar:

NM_000360.4(TH):c.58G>A (p.Glu20Lys)

Gene: TH (tyrosine hydroxylase; minus strand). Cytogenetic location: 11p15.5.
Variant type: single nucleotide variant.
Coding change: c.58G>A on transcript NM_000360.4 (MANE Select); coding-DNA position 58, G replaced by A.
Protein change: p.Glu20Lys; replaces glutamic acid 20 with lysine.
Molecular consequence: missense variant.
Genome position (GRCh38, 1-based): chr11:2,171,729, C>T on the plus strand (G>A on the coding strand, the complement: TH is on the minus strand). VCF-style: chr11-2171729-C-T. GRCh37 (hg19) VCF-style: chr11-2192959-C-T.
Other names: c.58G>A, p.Glu20Lys (NM_199292.3, NM_199293.3); short protein forms E20K.
Identifiers: ClinVar variation 1412386 (VCV001412386.3), dbSNP rs2133704152, ClinGen allele CA379112826.

ClinVar aggregate classification (germline): Uncertain significance (1 of 4 stars; one submission).

Conditions:
TH-deficient dopa-responsive dystonia. Also called: Tyrosine Hydroxylase-Deficient Dopa-Responsive Dystonia; Segawa syndrome, autosomal recessive; DYT-TH. Identifiers: Orphanet 101150, MedGen C2673535, MONDO:0011551, OMIM 605407.

Allele frequency attached by ClinVar (database versions not stated): gnomAD exomes below 0.00001.

Submission:

Labcorp Genetics (formerly Invitae), Labcorp
Classification: Uncertain significance for TH-deficient dopa-responsive dystonia. Last evaluated: 2022-07-25. Review status: criteria provided, single submitter. Criteria: Invitae Variant Classification Sherloc (09022015). Collection method: clinical testing. Allele origin: germline.
Comment: This sequence change replaces glutamic acid, which is acidic and polar, with lysine, which is basic and polar, at codon 20 of the TH protein (p.Glu20Lys). This variant is not present in population databases (gnomAD no frequency). This variant has not been reported in the literature in individuals affected with TH-related conditions. ClinVar contains an entry for this variant (Variation ID: 1412386). Algorithms developed to predict the effect of missense changes on protein structure and function are either unavailable or do not agree on the potential impact of this missense change (SIFT: "Deleterious"; PolyPhen-2: "Probably Damaging"; Align-GVGD: "Class C0"). In summary, the available evidence is currently insufficient to determine the role of this variant in disease. Therefore, it has been classified as a Variant of Uncertain Significance.